The following is an entry in ClinVar:

ClinVar aggregate classification (germline): Pathogenic (1 of 4 stars; one submission).

Conditions:
Neuromuscular disease caused by qualitative or quantitative defects of dysferlin. Also called: Qualitative or quantitative defects of dysferlin; Dysferlinopathy. Identifiers: Orphanet 207073, MedGen C2931687, MONDO:0016145.

Submission:

Labcorp Genetics (formerly Invitae), Labcorp
Classification: Pathogenic for Neuromuscular disease caused by qualitative or quantitative defects of dysferlin. Last evaluated: 2020-05-10. Review status: criteria provided, single submitter. Criteria: Invitae Variant Classification Sherloc (09022015). Collection method: clinical testing. Allele origin: germline.
Comment: This sequence change creates a premature translational stop signal (p.Leu469*) in the DYSF gene. It is expected to result in an absent or disrupted protein product. For these reasons, this variant has been classified as Pathogenic. Loss-of-function variants in DYSF are known to be pathogenic (PMID: 17698709, 20301480). This variant has not been reported in the literature in individuals with DYSF-related conditions. This variant is not present in population databases (ExAC no frequency).

Literature cited by the submitters: PubMed 17698709; PubMed 20301480.

NM_001130987.2(DYSF):c.1501del (p.Arg500_Leu501insTer)

Gene: DYSF (dysferlin; plus strand). Cytogenetic location: 2p13.2.
Variant type: Deletion.
Coding change: c.1501del on transcript NM_001130987.2 (MANE Select); coding-DNA position 1501, one base deleted (C; older notation c.1501delC).
Protein change: p.Arg500_Leu501insTer.
Molecular consequence: nonsense.
Genome position (GRCh38, 1-based): chr2:71,539,164, C deleted; the last of 2 consecutive C bases (chr2:71,539,163-71,539,164); deleting either gives the same sequence. VCF-style (leftmost placement, unchanged base first): chr2-71539162-GC-G. GRCh37 (hg19) VCF-style: chr2-71766292-GC-G.
Other names: c.1405del, p.Arg468_Leu469insTer (NM_003494.4, NM_001130976.2, NM_001130977.2 and 1 more transcripts); c.1408del, p.Arg469_Leu470insTer (NM_001130455.2, NM_001130983.2, NM_001130984.2 and 1 more transcripts); c.1498del, p.Arg499_Leu500insTer (NM_001130979.2, NM_001130980.2, NM_001130981.2); c.1501del, p.Arg500_Leu501insTer (NM_001130982.2, NM_001130985.2).
Identifiers: ClinVar variation 1075165 (VCV001075165.7), dbSNP rs2089677596, ClinGen allele CA1032083246.